The following is an entry in ClinVar:

NM_182641.4(BPTF):c.1193A>G (p.Lys398Arg)

Gene: BPTF (bromodomain PHD finger transcription factor; plus strand). Cytogenetic location: 17q24.2.
Variant type: single nucleotide variant.
Coding change: c.1193A>G on transcript NM_182641.4 (MANE Select); coding-DNA position 1193, A replaced by G.
Protein change: p.Lys398Arg; replaces lysine 398 with arginine.
Molecular consequence: missense variant.
Genome position (GRCh38, 1-based): chr17:67,854,519, A>G. VCF-style: chr17-67854519-A-G. GRCh37 (hg19) VCF-style: chr17-65850635-A-G.
Other names: c.1193A>G, p.Lys398Arg (NM_004459.7); short protein forms K398R.
Identifiers: ClinVar variation 2404108 (VCV002404108.5), dbSNP rs369457219, ClinGen allele CA8725108.

ClinVar aggregate classification (germline): Conflicting classifications of pathogenicity. Review status: criteria provided, conflicting classifications (1 of 4 stars). 3 submissions from 3 submitters: Uncertain significance (2); Likely benign (1). Last evaluated 2024-06-25.

Conditions:
Syndromic intellectual disability. Also called: Intellectual disability syndrome. Identifiers: Orphanet 183763, MedGen C5680525, MONDO:0000508.
Inborn genetic diseases. Identifiers: MedGen C0950123, MeSH D030342.

Allele frequency attached by ClinVar (database versions not stated): TOPMed 0.00006; ExAC 0.00007; ESP Exome Variant Server 0.00008; gnomAD 0.00009; gnomAD exomes 0.00012.
gnomAD v4.1: 190 of 1,614,090 alleles (0.012%); highest among the groups gnomAD compares: Non-Finnish European, 0.016%; no homozygotes.

Submissions (3):

Labcorp Genetics (formerly Invitae), Labcorp
Classification: Uncertain significance. Last evaluated: 2024-06-25. Review status: criteria provided, single submitter. Criteria: Invitae Variant Classification Sherloc (09022015). Collection method: clinical testing. Allele origin: germline.
Comment: This sequence change replaces lysine, which is basic and polar, with arginine, which is basic and polar, at codon 398 of the BPTF protein (p.Lys398Arg). This variant is present in population databases (rs369457219, gnomAD 0.01%). This variant has not been reported in the literature in individuals affected with BPTF-related conditions. ClinVar contains an entry for this variant (Variation ID: 2404108). An algorithm developed to predict the effect of missense changes on protein structure and function (PolyPhen-2) suggests that this variant is likely to be tolerated. In summary, the available evidence is currently insufficient to determine the role of this variant in disease. Therefore, it has been classified as a Variant of Uncertain Significance.

Ambry Genetics
Classification: Likely benign for Inborn genetic diseases. Last evaluated: 2022-04-28. Review status: criteria provided, single submitter. Criteria: Ambry Variant Classification Scheme 2023. Collection method: clinical testing. Allele origin: germline.

Department of Pathology and Laboratory Medicine, Sinai Health System
Classification: Uncertain significance for syndromic intellectual disability. Last evaluated: 2021-08-03. Review status: criteria provided, single submitter. Criteria: ACMG Guidelines, 2015. Collection method: research. Allele origin: germline.